The following is an entry in ClinVar:

NM_000274.4(OAT):c.*185C>T

Gene: OAT (ornithine aminotransferase; minus strand). Cytogenetic location: 10q26.13.
Variant type: single nucleotide variant.
Coding change: c.*185C>T on transcript NM_000274.4 (MANE Select); 185 bases downstream of the stop codon, C replaced by T.
Molecular consequence: 3 prime UTR variant.
Genome position (GRCh38, 1-based): chr10:124,397,757, G>A on the plus strand (C>T on the coding strand, the complement: OAT is on the minus strand). VCF-style: chr10-124397757-G-A. GRCh37 (hg19) VCF-style: chr10-126086326-G-A.
Other names: c.*185C>T (NM_001171814.2, NM_001322965.2, NM_001322966.2 and 6 more transcripts).
Identifiers: ClinVar variation 299166 (VCV000299166.9), dbSNP rs2459216, ClinGen allele CA10631170.

ClinVar aggregate classification (germline): Benign. Review status: criteria provided, multiple submitters, no conflicts (2 of 4 stars). 3 submissions from 3 submitters: Benign (3). Last evaluated 2018-08-15.

Conditions:
Ornithine aminotransferase deficiency (GACR). Also called: HYPERORNITHINEMIA WITH GYRATE ATROPHY OF CHOROID AND RETINA; OAT DEFICIENCY; OKT DEFICIENCY; Ornithine ketoacid aminotransferase deficiency; Gyrate atrophy; Gyrate atrophy of choroid and retina. Identifiers: Orphanet 414, MedGen C0018425, MONDO:0009796, OMIM 258870.

Allele frequency attached by ClinVar (database versions not stated): gnomAD exomes 0.06406; gnomAD 0.10071 and 0.10300; TOPMed 0.10195; 1000 Genomes Project 0.11302; 1000 Genomes Project 30x 0.11696.

Submissions (3):

GeneDx
Classification: Benign. Last evaluated: 2018-08-15. Review status: criteria provided, single submitter. Criteria: GeneDx Variant Classification Process June 2021. Collection method: clinical testing. Allele origin: germline. Affected: yes.

Illumina Laboratory Services, Illumina
Classification: Benign for Ornithine aminotransferase deficiency. Last evaluated: 2018-01-12. Review status: criteria provided, single submitter. Criteria: ICSL Variant Classification Criteria 13 December 2019. Collection method: clinical testing. Allele origin: germline.
Comment: This variant was observed in the ICSL laboratory as part of a predisposition screen in an ostensibly healthy population. It had not been previously curated by ICSL or reported in the Human Gene Mutation Database (HGMD: prior to June 1st, 2018), and was therefore a candidate for classification through an automated scoring system. Utilizing variant allele frequency, disease prevalence and penetrance estimates, and inheritance mode, an automated score was calculated to assess if this variant is too frequent to cause the disease. Based on the score and internal cut-off values, a variant classified as benign is not then subjected to further curation. The score for this variant resulted in a classification of benign for this disease.

Breakthrough Genomics
Classification: Benign. Review status: criteria provided, single submitter. Criteria: ACMG Guidelines, 2015. Collection method: not provided. Allele origin: germline. Inheritance: Autosomal recessive inheritance. Affected: yes.